The following is an entry in ClinVar:

ClinVar aggregate classification (germline): Benign (1 of 4 stars; one submission).

Conditions:
Heterotaxy, visceral, 4, autosomal (HTX4). Identifiers: Orphanet 450, MedGen C3151057, MONDO:0013403, OMIM 613751.

Allele frequency attached by ClinVar (database versions not stated): gnomAD 0.00014 and 0.00015; TOPMed 0.00016; 1000 Genomes Project 30x 0.00047; 1000 Genomes Project 0.00060.

Submission:

Illumina Laboratory Services, Illumina
Classification: Benign for Heterotaxy, visceral, 4, autosomal. Last evaluated: 2018-01-13. Review status: criteria provided, single submitter. Criteria: ICSL Variant Classification Criteria 13 December 2019. Collection method: clinical testing. Allele origin: germline.
Comment: This variant was observed in the ICSL laboratory as part of a predisposition screen in an ostensibly healthy population. It had not been previously curated by ICSL or reported in the Human Gene Mutation Database (HGMD: prior to June 1st, 2018), and was therefore a candidate for classification through an automated scoring system. Utilizing variant allele frequency, disease prevalence and penetrance estimates, and inheritance mode, an automated score was calculated to assess if this variant is too frequent to cause the disease. Based on the score and internal cut-off values, a variant classified as benign is not then subjected to further curation. The score for this variant resulted in a classification of benign for this disease.

NM_001106.4(ACVR2B):c.*3570A>G

Gene: ACVR2B (activin A receptor type 2B; plus strand). Cytogenetic location: 3p22.2.
Variant type: single nucleotide variant.
Coding change: c.*3570A>G on transcript NM_001106.4 (MANE Select); 3570 bases downstream of the stop codon, A replaced by G.
Molecular consequence: 3 prime UTR variant.
Genome position (GRCh38, 1-based): chr3:38,486,902, A>G. VCF-style: chr3-38486902-A-G. GRCh37 (hg19) VCF-style: chr3-38528393-A-G.
Identifiers: ClinVar variation 344980 (VCV000344980.5), dbSNP rs528466104, ClinGen allele CA10618624.